The following is an entry in ClinVar:

NM_014727.3(KMT2B):c.342T>C (p.Ser114=)

Gene: KMT2B (lysine methyltransferase 2B; plus strand). Cytogenetic location: 19q13.12.
Variant type: single nucleotide variant.
Coding change: c.342T>C on transcript NM_014727.3 (MANE Select); coding-DNA position 342, T replaced by C.
Protein change: p.Ser114=; no amino-acid change (serine 114 retained).
Molecular consequence: synonymous variant.
Genome position (GRCh38, 1-based): chr19:35,718,360, T>C. VCF-style: chr19-35718360-T-C. GRCh37 (hg19) VCF-style: chr19-36209262-T-C.
Identifiers: ClinVar variation 1554758 (VCV001554758.33), dbSNP rs369129941, ClinGen allele CA9383976.

ClinVar aggregate classification (germline): Likely benign. Review status: criteria provided, multiple submitters, no conflicts (2 of 4 stars). 4 submissions from 4 submitters: Likely benign (4). Last evaluated 2025-12-01.

Allele frequency attached by ClinVar (database versions not stated): 1000 Genomes Project 30x 0.00016; gnomAD exomes 0.00019; TOPMed 0.00025; gnomAD 0.00028 and 0.00029; ESP Exome Variant Server 0.00031; ExAC 0.00076.
gnomAD v4.1: 319 of 1,268,084 alleles (0.025%); highest among the groups gnomAD compares: Middle Eastern, 0.094%; no homozygotes.

Submissions (4):

CeGaT Center for Human Genetics Tuebingen
Classification: Likely benign. Last evaluated: 2025-12-01. Review status: criteria provided, single submitter. Criteria: CeGaT Center For Human Genetics Tuebingen Variant Classification Criteria Version 2. Collection method: clinical testing. Allele origin: germline. Affected: yes. Observed: 4 variant alleles.
Comment: KMT2B: BP4, BP7

Labcorp Genetics (formerly Invitae), Labcorp
Classification: Likely benign. Last evaluated: 2025-10-22. Review status: criteria provided, single submitter. Criteria: Invitae Variant Classification Sherloc (09022015). Collection method: clinical testing. Allele origin: germline.

Blueprint Genetics
Classification: Likely benign. Last evaluated: 2024-11-20. Review status: criteria provided, single submitter. Criteria: ACMG Guidelines, 2015. Collection method: clinical testing. Allele origin: germline.

Breakthrough Genomics
Classification: Likely benign. Review status: criteria provided, single submitter. Criteria: ACMG Guidelines, 2015. Collection method: not provided. Allele origin: germline. Inheritance: Autosomal dominant inheritance. Affected: yes.